The following is an entry in ClinVar:

NM_000702.4(ATP1A2):c.857T>C (p.Ile286Thr)

Gene: ATP1A2 (ATPase Na+/K+ transporting subunit alpha 2; plus strand). Cytogenetic location: 1q23.2.
Variant type: single nucleotide variant.
Coding change: c.857T>C on transcript NM_000702.4 (MANE Select); coding-DNA position 857, T replaced by C.
Protein change: p.Ile286Thr; replaces isoleucine 286 with threonine.
Molecular consequence: missense variant.
Genome position (GRCh38, 1-based): chr1:160,127,660, T>C. VCF-style: chr1-160127660-T-C. GRCh37 (hg19) VCF-style: chr1-160097450-T-C.
Other names: c.857T>C (NM_000702.3); short protein forms I286T.
Identifiers: ClinVar variation 12927 (VCV000012927.6), dbSNP rs121918617, ClinGen allele CA256647.

ClinVar aggregate classification (germline): Conflicting classifications of pathogenicity. Review status: criteria provided, conflicting classifications (1 of 4 stars). 3 submissions from 3 submitters: Likely pathogenic (1); Uncertain significance (1). 1 of the submissions does not count toward it. Last evaluated 2026-04-08.

Conditions:
Familial hemiplegic migraine. Identifiers: MedGen C0338484, MONDO:0000700.
Migraine, familial hemiplegic, 2. Identifiers: Orphanet 569, MedGen C1865322, MONDO:0011232, OMIM 602481.

Allele frequency attached by ClinVar (database versions not stated): gnomAD 0.00001; gnomAD exomes below 0.00001; TOPMed below 0.00001.
gnomAD v4.1: 4 of 1,614,150 alleles (0.00025%); highest among the groups gnomAD compares: Non-Finnish European, 0.00034%; no homozygotes.

Submissions (3):

GeneDx
Classification: Uncertain significance. Last evaluated: 2026-04-08. Review status: criteria provided, single submitter. Criteria: GeneDx Variant Classification Process June 2021. Collection method: clinical testing. Allele origin: germline.
Comment: Identified with a second variant in a patient with hemiplegic migraine, however it is unknown whether this individual was screened for variants in other genes associated with hemiplegic migraines (PMID: 17473835); Not observed at significant frequency in large population cohorts (gnomAD); In silico analysis supports that this missense variant has a deleterious effect on protein structure/function; This variant is associated with the following publications: (PMID: 17473835, 35257835, 30690204, 27226003, 35724808)

Labcorp Genetics (formerly Invitae), Labcorp
Classification: Likely pathogenic for Familial hemiplegic migraine. Last evaluated: 2021-12-16. Review status: criteria provided, single submitter. Criteria: Invitae Variant Classification Sherloc (09022015). Collection method: clinical testing. Allele origin: germline.
Comment: This missense change has been observed in individuals with ATP1A2-related conditions (PMID: 17473835; Invitae). This variant is not present in population databases (gnomAD no frequency). This sequence change replaces isoleucine, which is neutral and non-polar, with threonine, which is neutral and polar, at codon 286 of the ATP1A2 protein (p.Ile286Thr). ClinVar contains an entry for this variant (Variation ID: 12927). In summary, the currently available evidence indicates that the variant is pathogenic, but additional data are needed to prove that conclusively. Therefore, this variant has been classified as Likely Pathogenic. Experimental studies have shown that this missense change affects ATP1A2 function (PMID: 17473835). Advanced modeling of protein sequence and biophysical properties (such as structural, functional, and spatial information, amino acid conservation, physicochemical variation, residue mobility, and thermodynamic stability) performed at Invitae indicates that this missense variant is expected to disrupt ATP1A2 protein function.

OMIM
Classification: Pathogenic for MIGRAINE, FAMILIAL HEMIPLEGIC, 2. Last evaluated: 2007-08-01. Review status: no assertion criteria provided. Collection method: literature only. Allele origin: germline. Not counted in ClinVar's aggregate classification.

Literature cited by the submitters: PubMed 17473835 (cited by Labcorp Genetics (formerly Invitae), Labcorp and OMIM).